The following is an entry in ClinVar:

NM_144991.3(TSPEAR):c.827C>T (p.Pro276Leu)

Gene: TSPEAR (thrombospondin type laminin G domain and EAR repeats; minus strand). Cytogenetic location: 21q22.3.
Variant type: single nucleotide variant.
Coding change: c.827C>T on transcript NM_144991.3 (MANE Select); coding-DNA position 827, C replaced by T.
Protein change: p.Pro276Leu; replaces proline 276 with leucine.
Molecular consequence: missense variant.
Genome position (GRCh38, 1-based): chr21:44,528,547, G>A on the plus strand (C>T on the coding strand, the complement: TSPEAR is on the minus strand). VCF-style: chr21-44528547-G-A. GRCh37 (hg19) VCF-style: chr21-45948430-G-A.
Other names: c.623C>T, p.Pro208Leu (NM_001272037.2); short protein forms P208L, P276L.
Identifiers: ClinVar variation 2196853 (VCV002196853.2), dbSNP rs781893663, ClinGen allele CA10056831.

ClinVar aggregate classification (germline): Uncertain significance (1 of 4 stars; one submission).

Allele frequency attached by ClinVar (database versions not stated): ExAC 0.00002; gnomAD 0.00003; TOPMed 0.00003.

Submission:

Labcorp Genetics (formerly Invitae), Labcorp
Classification: Uncertain significance. Last evaluated: 2024-12-16. Review status: criteria provided, single submitter. Criteria: Invitae Variant Classification Sherloc (09022015). Collection method: clinical testing. Allele origin: germline.
Comment: This sequence change replaces proline, which is neutral and non-polar, with leucine, which is neutral and non-polar, at codon 276 of the TSPEAR protein (p.Pro276Leu). This variant is present in population databases (rs781893663, gnomAD 0.004%). This variant has not been reported in the literature in individuals affected with TSPEAR-related conditions. ClinVar contains an entry for this variant (Variation ID: 2196853). Invitae Evidence Modeling of protein sequence and biophysical properties (such as structural, functional, and spatial information, amino acid conservation, physicochemical variation, residue mobility, and thermodynamic stability) indicates that this missense variant is not expected to disrupt TSPEAR protein function with a negative predictive value of 80%. In summary, the available evidence is currently insufficient to determine the role of this variant in disease. Therefore, it has been classified as a Variant of Uncertain Significance.